The following is an entry in ClinVar:

ClinVar aggregate classification (germline): Benign/Likely benign. Review status: criteria provided, multiple submitters, no conflicts (2 of 4 stars). 8 submissions from 8 submitters: Benign (3); Likely benign (3). 2 of the submissions do not count toward it. Last evaluated 2026-09-01.

Conditions:
Cardiomyopathy, familial hypertrophic 27. Identifiers: MedGen C4748014, MONDO:0054838, OMIM 618052.

Submissions (8):

CeGaT Center for Human Genetics Tuebingen
Classification: Likely benign. Last evaluated: 2026-09-01. Review status: criteria provided, single submitter. Criteria: CeGaT Center For Human Genetics Tuebingen Variant Classification Criteria Version 2. Collection method: clinical testing. Allele origin: germline. Affected: yes. Observed: 4 variant alleles.
Comment: ALPK3: BS2

Labcorp Genetics (formerly Invitae), Labcorp
Classification: Benign. Last evaluated: 2026-02-03. Review status: criteria provided, single submitter. Criteria: Invitae Variant Classification Sherloc (09022015). Collection method: clinical testing. Allele origin: germline.

ARUP Laboratories, Molecular Genetics and Genomics, ARUP Laboratories
Classification: Benign for Cardiomyopathy, familial hypertrophic 27. Last evaluated: 2025-03-06. Review status: criteria provided, single submitter. Criteria: ARUP Molecular Germline Variant Investigation Process 2024. Collection method: clinical testing. Allele origin: germline.

Blueprint Genetics
Classification: Likely benign. Last evaluated: 2024-11-25. Review status: criteria provided, single submitter. Criteria: ACMG Guidelines, 2015. Collection method: clinical testing. Allele origin: germline.

Women's Health and Genetics/Laboratory Corporation of America, LabCorp
Classification: Benign. Last evaluated: 2024-02-05. Review status: criteria provided, single submitter. Criteria: LabCorp Variant Classification Summary - May 2015. Collection method: clinical testing. Allele origin: germline.
Comment: Variant summary: ALPK3 c.423-19delC alters a nucleotide located at a position not widely known to affect splicing. Consensus agreement among computation tools predict no significant impact on normal splicing. However, these predictions have yet to be confirmed by functional studies. The variant allele was found at a frequency of 0.0047 in 1567886 control chromosomes, predominantly at a frequency of 0.0057 within the Non-Finnish European subpopulation in the gnomAD database, including 31 homozygotes. Although this frequency is not higher than estimated for a pathogenic variant in ALPK3 causing Cardiomyopathy (0.0057 vs 0.0071), for a gene in which biallelic mutations cause a severe, early onset phenotype, the number of homozygous individuals strongly suggests the variant is benign. To our knowledge, no occurrence of c.423-19delC in individuals affected with Cardiomyopathy and no experimental evidence demonstrating its impact on protein function have been reported. ClinVar contains an entry for this variant (Variation ID: 421290). Based on the evidence outlined above, the variant was classified as benign.

GeneDx
Classification: Likely benign. Last evaluated: 2018-01-29. Review status: criteria provided, single submitter. Criteria: GeneDx Variant Classification (06012015). Collection method: clinical testing. Allele origin: germline. Affected: yes.
Comment: This variant is considered likely benign or benign based on one or more of the following criteria: it is a conservative change, it occurs at a poorly conserved position in the protein, it is predicted to be benign by multiple in silico algorithms, and/or has population frequency not consistent with disease.

Clinical Genetics DNA and cytogenetics Diagnostics Lab, Erasmus MC, Erasmus Medical Center
Classification: Likely benign. Review status: no assertion criteria provided. Collection method: clinical testing. Allele origin: germline. Affected: yes. Study: VKGL Data-share Consensus. Not counted in ClinVar's aggregate classification.

Clinical Genetics, Academic Medical Center
Classification: Benign. Review status: no assertion criteria provided. Collection method: clinical testing. Allele origin: germline. Affected: yes. Study: VKGL Data-share Consensus. Not counted in ClinVar's aggregate classification.

NM_020778.5(ALPK3):c.423-19del

Gene: ALPK3 (alpha kinase 3; plus strand). Cytogenetic location: 15q25.3.
Variant type: Deletion.
Coding change: c.423-19del on transcript NM_020778.5 (MANE Select); 19 bases into the intron before coding-DNA position 423, one base deleted (C; older notation c.423-19delC).
Molecular consequence: intron variant.
Genome position (GRCh38, 1-based): chr15:84,839,683, C deleted; the last of 2 consecutive C bases (chr15:84,839,682-84,839,683); deleting either gives the same sequence. VCF-style (leftmost placement, unchanged base first): chr15-84839681-AC-A. GRCh37 (hg19) VCF-style: chr15-85382912-AC-A.
Other names: c.423-19delC (NM_020778.5); c.1029-19delC (NM_020778.4).
Identifiers: ClinVar variation 421290 (VCV000421290.22), dbSNP rs537375112, ClinGen allele CA7708977.
Genomic context (GRCh38, chr15:84,839,681, plus strand): 5'-TCTGAACGGCTCTGGCTGGGGGGTGTGGGGGCTCTCACCTCCCAGGAGGGGAGAGGTGGC[AC>A]CTCCCGCTCCTACCTCTAGGTGTCGAGAAGAAGATGCCGCCATCTACCAGGCCTCTGCCC-3'